The following is an entry in ClinVar:

ClinVar aggregate classification (germline): Uncertain significance (1 of 4 stars; one submission).

Allele frequency attached by ClinVar (database versions not stated): gnomAD 0.00001; gnomAD exomes 0.00001; TOPMed 0.00001; ExAC 0.00002.
gnomAD v4.1: 11 of 1,613,880 alleles (0.00068%); highest among the groups gnomAD compares: Non-Finnish European, 0.00085%; no homozygotes.

Submission:

Labcorp Genetics (formerly Invitae), Labcorp
Classification: Uncertain significance. Last evaluated: 2023-07-07. Review status: criteria provided, single submitter. Criteria: Invitae Variant Classification Sherloc (09022015). Collection method: clinical testing. Allele origin: germline.
Comment: This sequence change replaces valine, which is neutral and non-polar, with alanine, which is neutral and non-polar, at codon 2616 of the PCLO protein (p.Val2616Ala). This variant is present in population databases (rs767502863, gnomAD 0.004%). This variant has not been reported in the literature in individuals affected with PCLO-related conditions. Experimental studies and prediction algorithms are not available or were not evaluated, and the functional significance of this variant is currently unknown. In summary, the available evidence is currently insufficient to determine the role of this variant in disease. Therefore, it has been classified as a Variant of Uncertain Significance.

NM_033026.6(PCLO):c.7847T>C (p.Val2616Ala)

Gene: PCLO (piccolo presynaptic cytomatrix protein; minus strand). Cytogenetic location: 7q21.11.
Variant type: single nucleotide variant.
Coding change: c.7847T>C on transcript NM_033026.6 (MANE Select); coding-DNA position 7847, T replaced by C.
Protein change: p.Val2616Ala; replaces valine 2616 with alanine.
Molecular consequence: missense variant.
Genome position (GRCh38, 1-based): chr7:82,953,106, A>G on the plus strand (T>C on the coding strand, the complement: PCLO is on the minus strand). VCF-style: chr7-82953106-A-G. GRCh37 (hg19) VCF-style: chr7-82582422-A-G.
Other names: c.7847T>C, p.Val2616Ala (NM_014510.3); short protein forms V2616A.
Identifiers: ClinVar variation 2902511 (VCV002902511.3), dbSNP rs767502863, ClinGen allele CA4320239.